The following is an entry in ClinVar:

ClinVar aggregate classification (germline): Uncertain significance (1 of 4 stars; one submission).

Allele frequency attached by ClinVar (database versions not stated): ExAC 0.00001; gnomAD exomes 0.00001.

Submission:

Ambry Genetics
Classification: Uncertain significance. Last evaluated: 2023-02-07. Review status: criteria provided, single submitter. Criteria: Ambry Variant Classification Scheme 2023. Collection method: clinical testing. Allele origin: germline.
Comment: Does not currently meet published gene-disease clinical validity criteria for this gene Based on insufficient or conflicting evidence, the clinical significance of this alteration remains unclear.

Literature cited by the submitters: PubMed 28106320.

NM_032607.3(CREB3L3):c.49A>G (p.Met17Val)

Gene: CREB3L3 (cAMP responsive element binding protein 3 like 3; plus strand). Cytogenetic location: 19p13.3.
Variant type: single nucleotide variant.
Coding change: c.49A>G on transcript NM_032607.3 (MANE Select); coding-DNA position 49, A replaced by G.
Protein change: p.Met17Val; replaces methionine 17 with valine.
Molecular consequence: missense variant.
Genome position (GRCh38, 1-based): chr19:4,154,920, A>G. VCF-style: chr19-4154920-A-G. GRCh37 (hg19) VCF-style: chr19-4154917-A-G.
Other names: c.49A>G, p.Met17Val (NM_001271995.2, NM_001271996.2, NM_001271997.2); short protein forms M17V.
Identifiers: ClinVar variation 2482071 (VCV002482071.2), dbSNP rs755516505, ClinGen allele CA9091182.